The following is an entry in ClinVar:

ClinVar aggregate classification (germline): Uncertain significance. Review status: criteria provided, multiple submitters, no conflicts (2 of 4 stars). 2 submissions from 2 submitters: Uncertain significance (2). Last evaluated 2024-12-22.

Allele frequency attached by ClinVar (database versions not stated): gnomAD 0.00001; gnomAD exomes 0.00001 and 0.00003; TOPMed 0.00001; ExAC 0.00002.
gnomAD v4.1: 8 of 1,613,962 alleles (0.0005%); highest among the groups gnomAD compares: Admixed American, 0.012%; no homozygotes.

Submissions (2):

GeneDx
Classification: Uncertain significance. Last evaluated: 2024-12-22. Review status: criteria provided, single submitter. Criteria: GeneDx Variant Classification Process June 2021. Collection method: clinical testing. Allele origin: germline. Affected: yes.
Comment: In silico analysis supports that this missense variant has a deleterious effect on protein structure/function; Has not been previously published as pathogenic or benign to our knowledge

Labcorp Genetics (formerly Invitae), Labcorp
Classification: Uncertain significance. Last evaluated: 2022-02-28. Review status: criteria provided, single submitter. Criteria: Invitae Variant Classification Sherloc (09022015). Collection method: clinical testing. Allele origin: germline.
Comment: This sequence change replaces histidine, which is basic and polar, with arginine, which is basic and polar, at codon 184 of the ASNS protein (p.His184Arg). This variant is present in population databases (rs763504278, gnomAD 0.02%). This variant has not been reported in the literature in individuals affected with ASNS-related conditions. ClinVar contains an entry for this variant (Variation ID: 1254287). Advanced modeling of protein sequence and biophysical properties (such as structural, functional, and spatial information, amino acid conservation, physicochemical variation, residue mobility, and thermodynamic stability) performed at Invitae indicates that this missense variant is expected to disrupt ASNS protein function. In summary, the available evidence is currently insufficient to determine the role of this variant in disease. Therefore, it has been classified as a Variant of Uncertain Significance.

NM_001673.5(ASNS):c.551A>G (p.His184Arg)

Genes: CZ1P-ASNS (CZ1P-ASNS readthrough; minus strand), ASNS (asparagine synthetase (glutamine-hydrolyzing); minus strand). Cytogenetic location: 7q21.3.
Variant type: single nucleotide variant.
Coding change: c.551A>G on transcript NM_001673.5 (MANE Select); coding-DNA position 551, A replaced by G.
Protein change: p.His184Arg; replaces histidine 184 with arginine.
Molecular consequence: missense variant. On other transcripts: non-coding transcript variant (1).
Genome position (GRCh38, 1-based): chr7:97,859,335, T>C on the plus strand (A>G on the coding strand, the complement: ASNS is on the minus strand). VCF-style: chr7-97859335-T-C. GRCh37 (hg19) VCF-style: chr7-97488647-T-C.
Other names: c.488A>G, p.His163Arg (NM_001178075.2); c.302A>G, p.His101Arg (NM_001178076.2, NM_001178077.1); c.551A>G, p.His184Arg (NM_001352496.2, NM_133436.3, NM_183356.4); short protein forms H101R, H163R, H184R.
Identifiers: ClinVar variation 1254287 (VCV001254287.6), dbSNP rs763504278, ClinGen allele CA4354745.